The following is an entry in ClinVar:

NM_001035.3(RYR2):c.7116-2A>G

Gene: RYR2 (ryanodine receptor 2; plus strand). Cytogenetic location: 1q43.
Variant type: single nucleotide variant.
Coding change: c.7116-2A>G on transcript NM_001035.3 (MANE Select); the canonical splice acceptor site of the intron before coding-DNA position 7116, A replaced by G.
Molecular consequence: splice acceptor variant.
Genome position (GRCh38, 1-based): chr1:237,640,895, A>G. VCF-style: chr1-237640895-A-G. GRCh37 (hg19) VCF-style: chr1-237804195-A-G.
Identifiers: ClinVar variation 1445483 (VCV001445483.9), dbSNP rs2148738146, ClinGen allele CA345396490.

ClinVar aggregate classification (germline): Uncertain significance (1 of 4 stars; one submission).

Conditions:
Catecholaminergic polymorphic ventricular tachycardia 1. Also called: VENTRICULAR TACHYCARDIA, STRESS-INDUCED POLYMORPHIC 1; VENTRICULAR TACHYCARDIA, CATECHOLAMINERGIC POLYMORPHIC, 1, WITH OR WITHOUT ATRIAL DYSFUNCTION AND/OR DILATED CARDIOMYOPATHY; RYR2-Related Catecholaminergic Polymorphic Ventricular Tachycardia. Identifiers: Orphanet 3286, MedGen C1631597, MONDO:0011484, OMIM 604772.

Submission:

Labcorp Genetics (formerly Invitae), Labcorp
Classification: Uncertain significance for Catecholaminergic polymorphic ventricular tachycardia 1. Last evaluated: 2021-04-23. Review status: criteria provided, single submitter. Criteria: Invitae Variant Classification Sherloc (09022015). Collection method: clinical testing. Allele origin: germline.
Comment: Algorithms developed to predict the effect of sequence changes on RNA splicing suggest that this variant may disrupt the consensus splice site, but this prediction has not been confirmed by published transcriptional studies. In summary, the available evidence is currently insufficient to determine the role of this variant in disease. Therefore, it has been classified as a Variant of Uncertain Significance. This variant has not been reported in the literature in individuals with RYR2-related conditions. This variant is not present in population databases (ExAC no frequency). This sequence change affects an acceptor splice site in intron 46 of the RYR2 gene. It is expected to disrupt RNA splicing. Variants that disrupt the donor or acceptor splice site typically lead to a loss of protein function (PMID: 16199547), however the current clinical and genetic evidence is not sufficient to establish whether loss-of-function variants in RYR2 cause disease.

Literature cited by the submitters: PubMed 16199547.